The following is an entry in ClinVar:

NM_032634.4(PIGO):c.2002T>G (p.Leu668Val)

Gene: PIGO (phosphatidylinositol glycan anchor biosynthesis class O; minus strand). Cytogenetic location: 9p13.3.
Variant type: single nucleotide variant.
Coding change: c.2002T>G on transcript NM_032634.4 (MANE Select); coding-DNA position 2002, T replaced by G.
Protein change: p.Leu668Val; replaces leucine 668 with valine.
Molecular consequence: missense variant. On other transcripts: intron variant (2).
Genome position (GRCh38, 1-based): chr9:35,091,885, A>C on the plus strand (T>G on the coding strand, the complement: PIGO is on the minus strand). VCF-style: chr9-35091885-A-C. GRCh37 (hg19) VCF-style: chr9-35091882-A-C.
Other names: c.1345-594T>G (NM_152850.4, NM_001201484.2); short protein forms L668V.
Identifiers: ClinVar variation 3699152 (VCV003699152.2).

ClinVar aggregate classification (germline): Uncertain significance (1 of 4 stars; one submission).

Conditions:
Hyperphosphatasia with impaired intellectual development syndrome 2. Also called: GLYCOSYLPHOSPHATIDYLINOSITOL BIOSYNTHESIS DEFECT 6; Hyperphosphatasia with intellectual disability syndrome 2. Identifiers: Orphanet 247262, MedGen C3553637, MONDO:0013882, OMIM 614749.

gnomAD v4.1: 13 of 1,614,090 alleles (0.00081%); highest among the groups gnomAD compares: East Asian, 0.029%; no homozygotes.

Submission:

Labcorp Genetics (formerly Invitae), Labcorp
Classification: Uncertain significance for Hyperphosphatasia with impaired intellectual development syndrome 2. Last evaluated: 2024-12-02. Review status: criteria provided, single submitter. Criteria: Invitae Variant Classification Sherloc (09022015). Collection method: clinical testing. Allele origin: germline.
Comment: This sequence change replaces leucine, which is neutral and non-polar, with valine, which is neutral and non-polar, at codon 668 of the PIGO protein (p.Leu668Val). This variant is not present in population databases (gnomAD no frequency). This variant has not been reported in the literature in individuals affected with PIGO-related conditions. Invitae Evidence Modeling of protein sequence and biophysical properties (such as structural, functional, and spatial information, amino acid conservation, physicochemical variation, residue mobility, and thermodynamic stability) indicates that this missense variant is not expected to disrupt PIGO protein function with a negative predictive value of 95%. In summary, the available evidence is currently insufficient to determine the role of this variant in disease. Therefore, it has been classified as a Variant of Uncertain Significance.